The following is an entry in ClinVar:

NM_004006.3(DMD):c.7819A>T (p.Lys2607Ter)

Gene: DMD (dystrophin; minus strand). Cytogenetic location: Xp21.1.
Variant type: single nucleotide variant.
Coding change: c.7819A>T on transcript NM_004006.3 (MANE Select); coding-DNA position 7819, A replaced by T.
Protein change: p.Lys2607Ter; replaces lysine 2607 with a stop codon.
Molecular consequence: nonsense.
Genome position (GRCh38, 1-based): chrX:31,679,428, T>A on the plus strand (A>T on the coding strand, the complement: DMD is on the minus strand). VCF-style: chrX-31679428-T-A. GRCh37 (hg19) VCF-style: chrX-31697545-T-A.
Other names: c.7795A>T, p.Lys2599Ter (NM_000109.4); c.7807A>T, p.Lys2603Ter (NM_004009.3); c.7450A>T, p.Lys2484Ter (NM_004010.3); c.3796A>T, p.Lys1266Ter (NM_004011.4); c.3787A>T, p.Lys1263Ter (NM_004012.4); c.439A>T, p.Lys147Ter (NM_004013.3, NM_004020.4, NM_004021.3 and 2 more transcripts); short protein forms K1263*, K1266*, K147*, K2484*, K2599*, K2603*, K2607*.
Identifiers: ClinVar variation 1806428 (VCV001806428.1), dbSNP rs2529175801, ClinGen allele CA412656664.

ClinVar aggregate classification (germline): Likely pathogenic (1 of 4 stars; one submission).

Conditions:
Duchenne muscular dystrophy (DMD). Also called: MUSCULAR DYSTROPHY, PSEUDOHYPERTROPHIC PROGRESSIVE, DUCHENNE TYPE; Duchenne Muscular Dystrophy (DMD). Identifiers: Orphanet 98896, MedGen C0013264, MONDO:0010679, OMIM 310200.

Submission:

Laboratory of Medical Genetics, National & Kapodistrian University of Athens
Classification: Likely pathogenic for Duchenne muscular dystrophy. Last evaluated: 2022-12-16. Review status: criteria provided, single submitter. Criteria: ACMG Guidelines, 2015. Collection method: clinical testing. Allele origin: germline. Affected: yes.
Comment: PVS1, PM2